The following is an entry in ClinVar:

ClinVar aggregate classification (germline): Uncertain significance (1 of 4 stars; one submission).

Allele frequency attached by ClinVar (database versions not stated): gnomAD exomes below 0.00001; ExAC 0.00001.
gnomAD v4.1: 3 of 1,614,116 alleles (0.00019%); highest among the groups gnomAD compares: Non-Finnish European, 0.00025%; no homozygotes.

Submission:

GeneDx
Classification: Uncertain significance. Last evaluated: 2022-06-16. Review status: criteria provided, single submitter. Criteria: GeneDx Variant Classification Process June 2021. Collection method: clinical testing. Allele origin: germline. Affected: yes.
Comment: Not observed at significant frequency in large population cohorts (gnomAD); In silico analysis supports that this missense variant has a deleterious effect on protein structure/function; Although located in a calcium-binding EGF-like domain of the FBN1 gene, it does not affect a cysteine residue within this domain; cysteine substitutions in the calcium-binding EGF-like domains represent the majority of pathogenic missense changes associated with FBN1-related disorders (Collod-Beroud et al., 2003); Has not been previously published as pathogenic or benign to our knowledge; This variant is associated with the following publications: (PMID: 12938084)

NM_000138.5(FBN1):c.7523C>T (p.Thr2508Ile)

Gene: FBN1 (fibrillin 1; minus strand). Cytogenetic location: 15q21.1.
Variant type: single nucleotide variant.
Coding change: c.7523C>T on transcript NM_000138.5 (MANE Select); coding-DNA position 7523, C replaced by T.
Protein change: p.Thr2508Ile; replaces threonine 2508 with isoleucine.
Molecular consequence: missense variant.
Genome position (GRCh38, 1-based): chr15:48,421,999, G>A on the plus strand (C>T on the coding strand, the complement: FBN1 is on the minus strand). VCF-style: chr15-48421999-G-A. GRCh37 (hg19) VCF-style: chr15-48714196-G-A.
Other names: c.7523C>T, p.Thr2508Ile (NM_001406716.1); short protein forms T2508I.
Identifiers: ClinVar variation 1804563 (VCV001804563.1), dbSNP rs752872632, ClinGen allele CA058735.